The following is an entry in ClinVar:

ClinVar aggregate classification (germline): Uncertain significance (1 of 4 stars; one submission).

Conditions:
Leukoencephalopathy with calcifications and cysts. Also called: Leukoencephalopathy, brain calcifications, and cysts; LABRUNE SYNDROME. Identifiers: Orphanet 542310, MedGen C3281200, MONDO:0013803, OMIM 614561.

Submission:

Labcorp Genetics (formerly Invitae), Labcorp
Classification: Uncertain significance. Last evaluated: 2022-11-01. Review status: criteria provided, single submitter. Criteria: Invitae Variant Classification Sherloc (09022015). Collection method: clinical testing. Allele origin: germline.
Comment: This variant occurs in the SNORD118 gene, which encodes an RNA molecule that does not result in a protein product. Information on the frequency of this variant in the gnomAD database is not available, as this variant may be reported differently in the database. This variant has not been reported in the literature in individuals affected with SNORD118-related conditions. ClinVar contains an entry for this variant (Variation ID: 1404922). Experimental studies and prediction algorithms are not available or were not evaluated, and the functional significance of this variant is currently unknown. In summary, the available evidence is currently insufficient to determine the role of this variant in disease. Therefore, it has been classified as a Variant of Uncertain Significance.

NR_033294.2(SNORD118):n.36_37delinsTT

Genes: SNORD118 (small nucleolar RNA, C/D box 118; minus strand), TMEM107 (transmembrane protein 107; minus strand). Cytogenetic location: 17p13.1.
Variant type: Indel.
Molecular consequence: non-coding transcript variant (on NR_033294.2). On other transcripts: 3 prime UTR variant (5).
Genome position: GRCh38 VCF-style: chr17-8173552-GG-AA. GRCh37 (hg19) VCF-style: chr17-8076870-GG-AA.
Other names: c.*650_*651delinsTT (NM_001351278.2, NM_001351279.2, NM_001351280.2 and 2 more transcripts).
Identifiers: ClinVar variation 1404922 (VCV001404922.4), dbSNP rs2151869815, ClinGen allele CA1139771774.